The following is an entry in ClinVar:

NM_000138.5(FBN1):c.796G>C (p.Val266Leu)

Gene: FBN1 (fibrillin 1; minus strand). Cytogenetic location: 15q21.1.
Variant type: single nucleotide variant.
Coding change: c.796G>C on transcript NM_000138.5 (MANE Select); coding-DNA position 796, G replaced by C.
Protein change: p.Val266Leu; replaces valine 266 with leucine.
Molecular consequence: missense variant.
Genome position (GRCh38, 1-based): chr15:48,534,146, C>G on the plus strand (G>C on the coding strand, the complement: FBN1 is on the minus strand). VCF-style: chr15-48534146-C-G. GRCh37 (hg19) VCF-style: chr15-48826343-C-G.
Other names: c.796G>C, p.Val266Leu (NM_001406716.1, NM_001406717.1); short protein forms V266L.
Identifiers: ClinVar variation 4758421 (VCV004758421.1).

ClinVar aggregate classification (germline): Uncertain significance (1 of 4 stars; one submission).

Conditions:
Familial thoracic aortic aneurysm and aortic dissection (TAAD). Also called: Thoracic aortic aneurysms and dissections. Identifiers: Orphanet 91387, MedGen C4707243, MONDO:0019625.

gnomAD v4.1: 3 of 1,613,386 alleles (0.00019%); highest among the groups gnomAD compares: Non-Finnish European, 0.00025%; no homozygotes.

Submission:

Color Diagnostics, LLC DBA Color Health
Classification: Uncertain significance for Familial thoracic aortic aneurysm and aortic dissection. Last evaluated: 2025-05-27. Review status: criteria provided, single submitter. Criteria: ACMG Guidelines, 2015. Collection method: clinical testing. Allele origin: germline.
Comment: This missense variant replaces valine with leucine at codon 266 of the FBN1 protein. Computational prediction suggests that this variant may not impact protein structure and function. To our knowledge, functional studies have not been reported for this variant. This variant has not been reported in individuals affected with FBN1-related disorders in the literature. This variant has not been identified in the general population by the Genome Aggregation Database (gnomAD). The available evidence is insufficient to determine the role of this variant in disease conclusively. Therefore, this variant is classified as a Variant of Uncertain Significance.